The following is an entry in ClinVar:

NM_002890.3(RASA1):c.2216_2217del (p.Tyr739fs)

Genes: CCNH (cyclin H; minus strand), RASA1 (RAS p21 protein activator 1; plus strand). Cytogenetic location: 5q14.3.
Variant type: Deletion.
Coding change: c.2216_2217del on transcript NM_002890.3 (MANE Select); coding-DNA positions 2216 to 2217, 2 bases deleted (AT; older notation c.2216_2217delAT).
Protein change: p.Tyr739fs; shifts the reading frame from tyrosine 739.
Molecular consequence: frameshift variant. On other transcripts: intron variant (1).
Genome position (GRCh38, 1-based): chr5:87,376,912-87,376,913, AT deleted; deleting any 2 consecutive bases within chr5:87,376,911-87,376,913 gives the same sequence; the c. name uses the placement nearest the transcript's 3' end. VCF-style (leftmost placement, unchanged base first): chr5-87376910-CTA-C. GRCh37 (hg19) VCF-style: chr5-86672727-CTA-C.
Other names: c.1685_1686del, p.Tyr562fs (NM_022650.3); c.933+18132_933+18133del (NM_001364075.2); short protein forms Y562fs, Y739fs.
Identifiers: ClinVar variation 1331016 (VCV001331016.8), dbSNP rs2112492062, ClinGen allele CA2573052540.
Genomic context (GRCh38, chr5:87,376,910, plus strand): 5'-CTTTAAACAATCTTTTAAAATGTCATTTTAGCTTATACTGCAAAAGGAACTTCATGTAGT[CTA>C]TGCTTTATCACATGTATGTGGACAAGACCGAACACTACTGGCCAGCATCCTACTGAGGAT-3'

ClinVar aggregate classification (germline): Pathogenic (1 of 4 stars; one submission).

Submission:

ARUP Laboratories, Molecular Genetics and Genomics, ARUP Laboratories
Classification: Pathogenic. Last evaluated: 2021-01-25. Review status: criteria provided, single submitter. Criteria: ARUP Molecular Germline Variant Investigation Process 2021. Collection method: clinical testing. Allele origin: germline.
Comment: The RASA1 c.2216_2217delAT; p.Tyr739CysfsTer27 variant, to our knowledge, is not reported in the medical literature or gene specific databases. This variant is also absent from general population databases (Exome Variant Server, Genome Aggregation Database), indicating it is not a common polymorphism. This variant causes a frameshift by deleting two nucleotides, so it is predicted to result in a truncated protein or mRNA subject to nonsense-mediated decay. Additionally, several downstream truncating variants have been described in individuals with CM-AVM and are considered pathogenic (Revencu 2008). Based on available information, this variant is considered to be pathogenic. References: Revencu et al. Parkes Weber Syndrome, Vein of Galen Aneurysmal Malformation, and Other Fast-Flow Vascular Anomalies Are Caused by RASA1 Mutations. Hum Mutat. 2008 Jul;29(7):959-65.